The following is an entry in ClinVar:

ClinVar aggregate classification (germline): Uncertain significance. Review status: criteria provided, multiple submitters, no conflicts (2 of 4 stars). 2 submissions from 2 submitters: Uncertain significance (2). Last evaluated 2025-04-13.

Conditions:
Cardiovascular phenotype. Identifiers: MedGen CN230736.
Brugada syndrome. Also called: Sudden Unexplained Nocturnal Death Syndrome (SUNDS); Sudden unexpected nocturnal death syndrome; Sudden unexplained nocturnal death syndrome; Sudden Unexplained Death Syndrome. Identifiers: Orphanet 130, MedGen C1142166, MONDO:0015263.

Allele frequency attached by ClinVar (database versions not stated): TOPMed 0.00001.

Submissions (2):

Ambry Genetics
Classification: Uncertain significance for Cardiovascular phenotype. Last evaluated: 2025-04-13. Review status: criteria provided, single submitter. Criteria: Ambry Variant Classification Scheme 2023. Collection method: clinical testing. Allele origin: germline.
Comment: The p.M1601I variant (also known as c.4803G>A), located in coding exon 27 of the SCN10A gene, results from a G to A substitution at nucleotide position 4803. The methionine at codon 1601 is replaced by isoleucine, an amino acid with highly similar properties. This amino acid position is conserved. In addition, this alteration is predicted to be deleterious by in silico analysis. Based on the available evidence, the clinical significance of this variant remains unclear.

Labcorp Genetics (formerly Invitae), Labcorp
Classification: Uncertain significance for Brugada syndrome. Last evaluated: 2022-06-14. Review status: criteria provided, single submitter. Criteria: Invitae Variant Classification Sherloc (09022015). Collection method: clinical testing. Allele origin: germline.
Comment: In summary, the available evidence is currently insufficient to determine the role of this variant in disease. Therefore, it has been classified as a Variant of Uncertain Significance. Advanced modeling of protein sequence and biophysical properties (such as structural, functional, and spatial information, amino acid conservation, physicochemical variation, residue mobility, and thermodynamic stability) performed at Invitae indicates that this missense variant is expected to disrupt SCN10A protein function. This variant has not been reported in the literature in individuals affected with SCN10A-related conditions. This variant is not present in population databases (gnomAD no frequency). This sequence change replaces methionine, which is neutral and non-polar, with isoleucine, which is neutral and non-polar, at codon 1601 of the SCN10A protein (p.Met1601Ile).

NM_006514.4(SCN10A):c.4803G>A (p.Met1601Ile)

Gene: SCN10A (sodium voltage-gated channel alpha subunit 10; minus strand). Cytogenetic location: 3p22.2.
Variant type: single nucleotide variant.
Coding change: c.4803G>A on transcript NM_006514.4 (MANE Select); coding-DNA position 4803, G replaced by A.
Protein change: p.Met1601Ile; replaces methionine 1601 with isoleucine.
Molecular consequence: missense variant.
Genome position (GRCh38, 1-based): chr3:38,698,417, C>T on the plus strand (G>A on the coding strand, the complement: SCN10A is on the minus strand). VCF-style: chr3-38698417-C-T. GRCh37 (hg19) VCF-style: chr3-38739908-C-T.
Other names: c.4800G>A, p.Met1600Ile (NM_001293306.2); c.4509G>A, p.Met1503Ile (NM_001293307.2); c.4803G>A (NM_006514.2); short protein forms M1503I, M1600I, M1601I.
Identifiers: ClinVar variation 1983183 (VCV001983183.5), dbSNP rs2063121116, ClinGen allele CA352155589.